The following is an entry in ClinVar:

NM_000092.5(COL4A4):c.*4322C>T

Gene: COL4A4 (collagen type IV alpha 4 chain; minus strand). Cytogenetic location: 2q36.3.
Variant type: single nucleotide variant.
Coding change: c.*4322C>T on transcript NM_000092.5 (MANE Select); 4322 bases downstream of the stop codon, C replaced by T.
Molecular consequence: 3 prime UTR variant.
Genome position (GRCh38, 1-based): chr2:227,003,003, G>A on the plus strand (C>T on the coding strand, the complement: COL4A4 is on the minus strand). VCF-style: chr2-227003003-G-A. GRCh37 (hg19) VCF-style: chr2-227867719-G-A.
Identifiers: ClinVar variation 334644 (VCV000334644.6), dbSNP rs1054413, ClinGen allele CA10614389.
Genomic context (GRCh38, chr2:227,003,003, plus strand): 5'-CATGGATGTGGCAGCCAGCCTTGGTGGTTTAAAATGCATTATGCAGAGTTTCTAGCAGAT[G>A]ATAACAGTGACAATTGCAGAGTACTGATTTTTAATGTCAATTGTTTGTTCCCTGCAGAAC-3'

ClinVar aggregate classification (germline): Benign. Review status: criteria provided, multiple submitters, no conflicts (2 of 4 stars). 2 submissions from 2 submitters: Benign (2). Last evaluated 2018-01-12.

Conditions:
Alport syndrome. Also called: Hemorrhagic familial nephritis; Hemorrhagic hereditary nephritis; Congenital hereditary hematuria. Identifiers: Orphanet 63, MedGen C1567741, MONDO:0018965.

Allele frequency attached by ClinVar (database versions not stated): 1000 Genomes Project 0.53994; gnomAD 0.50022 and 0.50051; gnomAD exomes 0.46394; TOPMed 0.50544; 1000 Genomes Project 30x 0.54232.
gnomAD v4.1: 76,053 of 152,494 alleles (50%); highest among the groups gnomAD compares: African/African-American, 67%; 19,917 homozygotes.

Submissions (2):

Illumina Laboratory Services, Illumina
Classification: Benign for Alport syndrome. Last evaluated: 2018-01-12. Review status: criteria provided, single submitter. Criteria: ICSL Variant Classification Criteria 13 December 2019. Collection method: clinical testing. Allele origin: germline.
Comment: This variant was observed in the ICSL laboratory as part of a predisposition screen in an ostensibly healthy population. It had not been previously curated by ICSL or reported in the Human Gene Mutation Database (HGMD: prior to June 1st, 2018), and was therefore a candidate for classification through an automated scoring system. Utilizing variant allele frequency, disease prevalence and penetrance estimates, and inheritance mode, an automated score was calculated to assess if this variant is too frequent to cause the disease. Based on the score and internal cut-off values, a variant classified as benign is not then subjected to further curation. The score for this variant resulted in a classification of benign for this disease.

Breakthrough Genomics
Classification: Benign. Review status: criteria provided, single submitter. Criteria: ACMG Guidelines, 2015. Collection method: not provided. Allele origin: germline. Inheritance: Autosomal recessive inheritance. Affected: yes.